The following is an entry in ClinVar:

ClinVar aggregate classification (germline): Uncertain significance (1 of 4 stars; one submission).

Allele frequency attached by ClinVar (database versions not stated): gnomAD exomes below 0.00001.
gnomAD v4.1: 1 of 1,614,006 alleles (0.000062%); no homozygotes.

Submission:

Ambry Genetics
Classification: Uncertain significance. Last evaluated: 2021-08-25. Review status: criteria provided, single submitter. Criteria: Ambry Variant Classification Scheme 2023. Collection method: clinical testing. Allele origin: germline.
Comment: The p.C465Y variant (also known as c.1394G>A), located in coding exon 1 of the MLH3 gene, results from a G to A substitution at nucleotide position 1394. The cysteine at codon 465 is replaced by tyrosine, an amino acid with highly dissimilar properties. This amino acid position is conserved. In addition, this alteration is predicted to be tolerated by in silico analysis. Since supporting evidence is limited at this time, the clinical significance of this alteration remains unclear.

NM_001040108.2(MLH3):c.1394G>A (p.Cys465Tyr)

Gene: MLH3 (mutL homolog 3; minus strand). Cytogenetic location: 14q24.3.
Variant type: single nucleotide variant.
Coding change: c.1394G>A on transcript NM_001040108.2 (MANE Select); coding-DNA position 1394, G replaced by A.
Protein change: p.Cys465Tyr; replaces cysteine 465 with tyrosine.
Molecular consequence: missense variant.
Genome position (GRCh38, 1-based): chr14:75,048,262, C>T on the plus strand (G>A on the coding strand, the complement: MLH3 is on the minus strand). VCF-style: chr14-75048262-C-T. GRCh37 (hg19) VCF-style: chr14-75514965-C-T.
Other names: c.1394G>A, p.Cys465Tyr (NM_014381.3); short protein forms C465Y.
Identifiers: ClinVar variation 1771600 (VCV001771600.2), dbSNP rs2139584274, ClinGen allele CA390445989.